The following is an entry in ClinVar:

NM_000052.7(ATP7A):c.3605T>C (p.Phe1202Ser)

Gene: ATP7A (ATPase copper transporting alpha; plus strand). Cytogenetic location: Xq21.1.
Variant type: single nucleotide variant.
Coding change: c.3605T>C on transcript NM_000052.7 (MANE Select); coding-DNA position 3605, T replaced by C.
Protein change: p.Phe1202Ser; replaces phenylalanine 1202 with serine.
Molecular consequence: missense variant. On other transcripts: non-coding transcript variant (1).
Genome position (GRCh38, 1-based): chrX:78,038,929, T>C. VCF-style: chrX-78038929-T-C. GRCh37 (hg19) VCF-style: chrX-77294427-T-C.
Other names: c.3371T>C, p.Phe1124Ser (NM_001282224.2); short protein forms F1124S, F1202S.
Identifiers: ClinVar variation 1019579 (VCV001019579.9), dbSNP rs2078030949, ClinGen allele CA413604549.

ClinVar aggregate classification (germline): Uncertain significance (1 of 4 stars; one submission).

Conditions:
X-linked distal spinal muscular atrophy type 3. Also called: SPINAL MUSCULAR ATROPHY, DISTAL, X-LINKED RECESSIVE; NEURONOPATHY, DISTAL HEREDITARY MOTOR, X-LINKED; NEUROPATHY, DISTAL HEREDITARY MOTOR, X-LINKED; ATP7A-Related Distal Motor Neuropathy. Identifiers: Orphanet 139557, MedGen C1845359, MONDO:0010338, OMIM 300489.
Menkes kinky-hair syndrome (MNK). Also called: Classic Menkes Disease; Menkes Disease; Copper transport disease. Identifiers: Orphanet 565, MedGen C0022716, MONDO:0010651, OMIM 309400.
Cutis laxa, X-linked (OHS). Also called: EDS IX; Occipital horn syndrome. Identifiers: Orphanet 198, MedGen C0268353, MONDO:0010572, OMIM 304150.

Allele frequency attached by ClinVar (database versions not stated): gnomAD exomes 0.00001.
gnomAD v4.1: 6 of 1,211,687 alleles (0.0005%); highest among the groups gnomAD compares: Non-Finnish European, 0.00067%; no homozygotes.

Submission:

Labcorp Genetics (formerly Invitae), Labcorp
Classification: Uncertain significance for X-linked distal spinal muscular atrophy type 3; Cutis laxa, X-linked; Menkes kinky-hair syndrome. Last evaluated: 2020-01-24. Review status: criteria provided, single submitter. Criteria: Invitae Variant Classification Sherloc (09022015). Collection method: clinical testing. Allele origin: germline.
Comment: In summary, the available evidence is currently insufficient to determine the role of this variant in disease. Therefore, it has been classified as a Variant of Uncertain Significance. Algorithms developed to predict the effect of missense changes on protein structure and function output the following: SIFT: "Tolerated"; PolyPhen-2: "Benign"; Align-GVGD: "Class C0". The serine amino acid residue is found in multiple mammalian species, suggesting that this missense change does not adversely affect protein function. These predictions have not been confirmed by published functional studies and their clinical significance is uncertain. This variant has not been reported in the literature in individuals with ATP7A-related conditions. This variant is not present in population databases (ExAC no frequency). This sequence change replaces phenylalanine with serine at codon 1202 of the ATP7A protein (p.Phe1202Ser). The phenylalanine residue is weakly conserved and there is a large physicochemical difference between phenylalanine and serine.